The following is an entry in ClinVar:

NM_014391.3(ANKRD1):c.8T>C (p.Val3Ala)

Gene: ANKRD1 (ankyrin repeat domain 1; minus strand). Cytogenetic location: 10q23.31.
Variant type: single nucleotide variant.
Coding change: c.8T>C on transcript NM_014391.3 (MANE Select); coding-DNA position 8, T replaced by C.
Protein change: p.Val3Ala; replaces valine 3 with alanine.
Molecular consequence: missense variant.
Genome position (GRCh38, 1-based): chr10:90,921,020, A>G on the plus strand (T>C on the coding strand, the complement: ANKRD1 is on the minus strand). VCF-style: chr10-90921020-A-G. GRCh37 (hg19) VCF-style: chr10-92680777-A-G.
Other names: short protein forms V3A.
Identifiers: ClinVar variation 1718948 (VCV001718948.5), dbSNP rs2492964562, ClinGen allele CA377554406.
Genomic context (GRCh38, chr10:90,921,020, plus strand): 5'-GAACCAGTTTTCATTTTATAAAATTAATGCATCTTACATACCAGTTCCTCTACTTTCAGT[A>G]CCATCATGTTGGCTGAAGGAGTCTTGTATGTTTTTCTGTCGTGGAAGGAATCCCTGGAGT-3'
Protein context (NP_055206.2, residues 1-13): MM[Val3Ala]LKVEELVTGK

ClinVar aggregate classification (germline): Uncertain significance (1 of 4 stars; one submission).

Conditions:
ANKRD1-related dilated cardiomyopathy. Identifiers: MedGen CN119551.

Allele frequency attached by ClinVar (database versions not stated): gnomAD exomes below 0.00001.
gnomAD v4.1: 1 of 1,614,044 alleles (0.000062%); highest among the groups gnomAD compares: Non-Finnish European, 0.000085%; no homozygotes.

Submission:

Labcorp Genetics (formerly Invitae), Labcorp
Classification: Uncertain significance for ANKRD1-related dilated cardiomyopathy. Last evaluated: 2022-09-06. Review status: criteria provided, single submitter. Criteria: Invitae Variant Classification Sherloc (09022015). Collection method: clinical testing. Allele origin: germline.
Comment: In summary, the available evidence is currently insufficient to determine the role of this variant in disease. Therefore, it has been classified as a Variant of Uncertain Significance. Algorithms developed to predict the effect of sequence changes on RNA splicing suggest that this variant may disrupt the consensus splice site. Algorithms developed to predict the effect of missense changes on protein structure and function (SIFT, PolyPhen-2, Align-GVGD) all suggest that this variant is likely to be tolerated. This variant has not been reported in the literature in individuals affected with ANKRD1-related conditions. This variant is not present in population databases (gnomAD no frequency). This sequence change replaces valine, which is neutral and non-polar, with alanine, which is neutral and non-polar, at codon 3 of the ANKRD1 protein (p.Val3Ala).